The following is an entry in ClinVar:

NM_001144967.3(NEDD4L):c.1768G>C (p.Ala590Pro)

Gene: NEDD4L (NEDD4 like E3 ubiquitin protein ligase; plus strand). Cytogenetic location: 18q21.31.
Variant type: single nucleotide variant.
Coding change: c.1768G>C on transcript NM_001144967.3 (MANE Select); coding-DNA position 1768, G replaced by C.
Protein change: p.Ala590Pro; replaces alanine 590 with proline.
Molecular consequence: missense variant.
Genome position (GRCh38, 1-based): chr18:58,364,268, G>C. VCF-style: chr18-58364268-G-C. GRCh37 (hg19) VCF-style: chr18-56031500-G-C.
Other names: c.1405G>C, p.Ala469Pro (NM_001144964.1, NM_001144965.2, NM_001144966.3); c.1744G>C, p.Ala582Pro (NM_001144968.2); c.1684G>C, p.Ala562Pro (NM_001144969.2); c.1345G>C, p.Ala449Pro (NM_001144970.3, NM_001144971.2); c.1576G>C, p.Ala526Pro (NM_001243960.2); c.1708G>C, p.Ala570Pro (NM_015277.6); short protein forms A449P, A469P, A526P, A562P, A570P, A582P, A590P.
Identifiers: ClinVar variation 2630471 (VCV002630471.1), dbSNP rs2045856957, ClinGen allele CA402545677.
Genomic context (GRCh38, chr18:58,364,268, plus strand): 5'-TATACATAAAATTTCAGGTGTATTGTTTGCATTATCTATATTTATAAATTTATCTTCCAG[G>C]CTGTCCCTTACTCCAGAGAATTTAAGCAGAAATATGACTACTTCAGGAAGAAATTAAAGA-3'
Protein context (NP_001138439.1, residues 580-600): RLQNPAITGP[Ala590Pro]VPYSREFKQK

ClinVar aggregate classification (germline): Uncertain significance (1 of 4 stars; one submission).

Conditions:
NEDD4L-related disorder. Also called: NEDD4L-related condition.

Submission:

PreventionGenetics, part of Exact Sciences
Classification: Uncertain significance for NEDD4L-related condition. Last evaluated: 2023-03-06. Review status: criteria provided, single submitter. Criteria: ACMG Guidelines, 2015. Collection method: clinical testing. Allele origin: germline.
Comment: The NEDD4L c.1708G>C variant is predicted to result in the amino acid substitution p.Ala570Pro. To our knowledge, this variant has not been reported in the literature or in a large population database, indicating this variant is rare. At this time, the clinical significance of this variant is uncertain due to the absence of conclusive functional and genetic evidence.